The following is an entry in ClinVar:

NM_001734.5(C1S):c.1283C>T (p.Pro428Leu)

Gene: C1S (complement C1s; plus strand). Cytogenetic location: 12p13.31.
Variant type: single nucleotide variant.
Coding change: c.1283C>T on transcript NM_001734.5 (MANE Select); coding-DNA position 1283, C replaced by T.
Protein change: p.Pro428Leu; replaces proline 428 with leucine.
Molecular consequence: missense variant.
Genome position (GRCh38, 1-based): chr12:7,069,867, C>T. VCF-style: chr12-7069867-C-T. GRCh37 (hg19) VCF-style: chr12-7177171-C-T.
Other names: c.782C>T, p.Pro261Leu (NM_001346850.2); c.1283C>T, p.Pro428Leu (NM_201442.4); short protein forms P428L, P261L.
Identifiers: ClinVar variation 2201001 (VCV002201001.4), dbSNP rs149869489, ClinGen allele CA383702801.

ClinVar aggregate classification (germline): Uncertain significance (1 of 4 stars; one submission).

gnomAD v4.1: 19 of 1,613,460 alleles (0.0012%); highest among the groups gnomAD compares: Non-Finnish European, 0.0015%; no homozygotes.

Submission:

Labcorp Genetics (formerly Invitae), Labcorp
Classification: Uncertain significance. Last evaluated: 2025-03-04. Review status: criteria provided, single submitter. Criteria: Invitae Variant Classification Sherloc (09022015). Collection method: clinical testing. Allele origin: germline.
Comment: This sequence change replaces proline, which is neutral and non-polar, with leucine, which is neutral and non-polar, at codon 428 of the C1S protein (p.Pro428Leu). This variant is not present in population databases (gnomAD no frequency). This variant has not been reported in the literature in individuals affected with C1S-related conditions. ClinVar contains an entry for this variant (Variation ID: 2201001). Invitae Evidence Modeling of protein sequence and biophysical properties (such as structural, functional, and spatial information, amino acid conservation, physicochemical variation, residue mobility, and thermodynamic stability) indicates that this missense variant is not expected to disrupt C1S protein function with a negative predictive value of 80%. In summary, the available evidence is currently insufficient to determine the role of this variant in disease. Therefore, it has been classified as a Variant of Uncertain Significance.